The following is an entry in ClinVar:

NM_006231.4(POLE):c.3362A>G (p.Asp1121Gly)

Gene: POLE (DNA polymerase epsilon, catalytic subunit; minus strand). Cytogenetic location: 12q24.33.
Variant type: single nucleotide variant.
Coding change: c.3362A>G on transcript NM_006231.4 (MANE Select); coding-DNA position 3362, A replaced by G.
Protein change: p.Asp1121Gly; replaces aspartic acid 1121 with glycine.
Molecular consequence: missense variant.
Genome position (GRCh38, 1-based): chr12:132,657,884, T>C on the plus strand (A>G on the coding strand, the complement: POLE is on the minus strand). VCF-style: chr12-132657884-T-C. GRCh37 (hg19) VCF-style: chr12-133234470-T-C.
Other names: c.3362A>G (NM_006231.2); short protein forms D1121G.
Identifiers: ClinVar variation 863047 (VCV000863047.10), dbSNP rs2042581046, ClinGen allele CA387389610.

ClinVar aggregate classification (germline): Uncertain significance. Review status: criteria provided, multiple submitters, no conflicts (2 of 4 stars). 2 submissions from 2 submitters: Uncertain significance (2). Last evaluated 2025-05-20.

Conditions:
Hereditary cancer-predisposing syndrome. Also called: Hereditary Cancer Syndrome; Tumor predisposition; Neoplastic Syndromes, Hereditary; Hereditary neoplastic syndrome. Identifiers: Orphanet 140162, MedGen C0027672, MeSH D009386, MONDO:0015356.

gnomAD v4.1: 2 of 1,613,000 alleles (0.00012%); highest among the groups gnomAD compares: Middle Eastern, 0.016%; no homozygotes.

Submissions (2):

Ambry Genetics
Classification: Uncertain significance for Hereditary cancer-predisposing syndrome. Last evaluated: 2025-05-20. Review status: criteria provided, single submitter. Criteria: Ambry Variant Classification Scheme 2023. Collection method: clinical testing. Allele origin: germline.
Comment: The p.D1121G variant (also known as c.3362A>G), located in coding exon 27 of the POLE gene, results from an A to G substitution at nucleotide position 3362. The aspartic acid at codon 1121 is replaced by glycine, an amino acid with similar properties. This amino acid position is well conserved in available vertebrate species. In addition, the in silico prediction for this alteration is inconclusive. Based on the available evidence, the clinical significance of this variant remains unclear.

Labcorp Genetics (formerly Invitae), Labcorp
Classification: Uncertain significance. Last evaluated: 2024-04-17. Review status: criteria provided, single submitter. Criteria: Invitae Variant Classification Sherloc (09022015). Collection method: clinical testing. Allele origin: germline.
Comment: This sequence change replaces aspartic acid, which is acidic and polar, with glycine, which is neutral and non-polar, at codon 1121 of the POLE protein (p.Asp1121Gly). This variant is not present in population databases (gnomAD no frequency). This variant has not been reported in the literature in individuals affected with POLE-related conditions. ClinVar contains an entry for this variant (Variation ID: 863047). Advanced modeling of protein sequence and biophysical properties (such as structural, functional, and spatial information, amino acid conservation, physicochemical variation, residue mobility, and thermodynamic stability) performed at Invitae indicates that this missense variant is not expected to disrupt POLE protein function with a negative predictive value of 80%. In summary, the available evidence is currently insufficient to determine the role of this variant in disease. Therefore, it has been classified as a Variant of Uncertain Significance.